The following is an entry in ClinVar:

NM_198173.3(GRHL3):c.471C>T (p.Ala157=)

Gene: GRHL3 (grainyhead like transcription factor 3; plus strand). Cytogenetic location: 1p36.11.
Variant type: single nucleotide variant.
Coding change: c.471C>T on transcript NM_198173.3 (MANE Select); coding-DNA position 471, C replaced by T.
Protein change: p.Ala157=; no amino-acid change (alanine 157 retained).
Molecular consequence: synonymous variant.
Genome position (GRCh38, 1-based): chr1:24,336,686, C>T. VCF-style: chr1-24336686-C-T. GRCh37 (hg19) VCF-style: chr1-24663176-C-T.
Other names: c.471C>T (NM_198173.2); c.333C>T, p.Ala111= (NM_001195010.2); c.486C>T, p.Ala162= (NM_021180.4); c.471C>T, p.Ala157= (NM_198174.3).
Identifiers: ClinVar variation 703367 (VCV000703367.12), dbSNP rs139093980, ClinGen allele CA689902.

ClinVar aggregate classification (germline): Benign. Review status: criteria provided, single submitter (1 of 4 stars). 2 submissions from 2 submitters: Benign (1). 1 of the submissions does not count toward it. Last evaluated 2025-11-24.

Conditions:
GRHL3-related disorder. Also called: GRHL3-related condition.
Van der Woude syndrome 2 (VWS2). Identifiers: Orphanet 888, MedGen C1847604, MONDO:0011712, OMIM 606713.

Allele frequency attached by ClinVar (database versions not stated): 1000 Genomes Project 0.00100; 1000 Genomes Project 30x 0.00109; gnomAD 0.00185; TOPMed 0.00200; ESP Exome Variant Server 0.00261.
gnomAD v4.1: 652 of 1,614,108 alleles (0.04%); highest among the groups gnomAD compares: African/African-American, 0.68%; 2 homozygotes.

Submissions (2):

Labcorp Genetics (formerly Invitae), Labcorp
Classification: Benign for Van der Woude syndrome 2. Last evaluated: 2025-11-24. Review status: criteria provided, single submitter. Criteria: Invitae Variant Classification Sherloc (09022015). Collection method: clinical testing. Allele origin: germline.

PreventionGenetics, part of Exact Sciences
Classification: Likely benign for GRHL3-related condition. Last evaluated: 2024-01-02. Review status: no assertion criteria provided. Collection method: clinical testing. Allele origin: germline. Not counted in ClinVar's aggregate classification.
Comment: This variant is classified as likely benign based on ACMG/AMP sequence variant interpretation guidelines (Richards et al. 2015 PMID: 25741868, with internal and published modifications).